The following is an entry in ClinVar:

ClinVar aggregate classification (germline): Uncertain significance (3 of 4 stars; one submission).

Conditions:
Monogenic diabetes. Identifiers: Orphanet 183625, MedGen C3888631, MONDO:0015967.

gnomAD v4.1: 38 of 1,613,888 alleles (0.0024%); highest among the groups gnomAD compares: Middle Eastern, 0.016%; no homozygotes.

Submission:

ClinGen Monogenic Diabetes Variant Curation Expert Panel
Classification: Uncertain significance for Monogenic diabetes. Last evaluated: 2025-01-03. Review status: reviewed by expert panel. Criteria: ClinGen Diabetes ACMG Specifications HNF4A V2.0.0. Collection method: curation. Allele origin: germline. Inheritance: Autosomal dominant inheritance.
Comment: The c.1291G>A variant in the hepatocyte nuclear factor 4-alpha gene, HNF4A, causes an amino acid change of valine to isoleucine at codon 431 (p.(Val431Ile)) of NM_175914.5. This variant has a REVEL score of 0.224, which is between the ClinGen MDEP thresholds for BP4 and PP3, predicting neither a damaging nor benign impact on HNF4A function. This variant has an incomputable gnomAD v2.1.1 Grpmax filtering allele frequency due to 1 copy in the European non-Finnish subpopulation, 1 copy in the East Asian subpopulation, 1 copy in the South Asian subpopulation and 1 copies in the remaining individuals subpopulation, thereby meeting the ClinGen MDEP threshold criteria for PM2_Supporting (ENF Popmax FAF <= 0.000003 and <= 2 copies in ENF and <=1 copy in any other subpopulation) (PM2_Supporting). In summary, c.1291G>A meets the criteria to be classified as a variant of uncertain significane for monogenic diabetes. ACMG/AMP criteria applied, as specified by the ClinGen MDEP (specification version 2.0.0, approved 10/11/2023): PM2_Supporting.

NM_175914.5(HNF4A):c.1291G>A (p.Val431Ile)

Gene: HNF4A (hepatocyte nuclear factor 4 alpha; plus strand). Cytogenetic location: 20q13.12.
Variant type: single nucleotide variant.
Coding change: c.1291G>A on transcript NM_175914.5 (MANE Select); coding-DNA position 1291, G replaced by A.
Protein change: p.Val431Ile; replaces valine 431 with isoleucine.
Molecular consequence: missense variant.
Genome position (GRCh38, 1-based): chr20:44,429,597, G>A. VCF-style: chr20-44429597-G-A. GRCh37 (hg19) VCF-style: chr20-43058237-G-A.
Other names: NM_175914.5:c.1291G>A; c.1357G>A, p.Val453Ile (NM_000457.6); c.1261G>A, p.Val421Ile (NM_001030003.3); c.1336G>A, p.Val446Ile (NM_001258355.2); c.1252G>A, p.Val418Ile (NM_001287182.2); c.1282G>A, p.Val428Ile (NM_001287183.2); c.1327G>A, p.Val443Ile (NM_178849.3); short protein forms V428I, V431I, V446I, V421I, V453I, V443I, V418I.
Identifiers: ClinVar variation 3393510 (VCV003393510.1).